The following is an entry in ClinVar:

NM_004006.3(DMD):c.5558T>G (p.Leu1853Arg)

Gene: DMD (dystrophin; minus strand). Cytogenetic location: Xp21.1.
Variant type: single nucleotide variant.
Coding change: c.5558T>G on transcript NM_004006.3 (MANE Select); coding-DNA position 5558, T replaced by G.
Protein change: p.Leu1853Arg; replaces leucine 1853 with arginine.
Molecular consequence: missense variant.
Genome position (GRCh38, 1-based): chrX:32,345,971, A>C on the plus strand (T>G on the coding strand, the complement: DMD is on the minus strand). VCF-style: chrX-32345971-A-C. GRCh37 (hg19) VCF-style: chrX-32364088-A-C.
Other names: c.5534T>G, p.Leu1845Arg (NM_000109.4); c.5546T>G, p.Leu1849Arg (NM_004009.3); c.5189T>G, p.Leu1730Arg (NM_004010.3); c.1535T>G, p.Leu512Arg (NM_004011.4); c.1526T>G, p.Leu509Arg (NM_004012.4); short protein forms L1730R, L1845R, L1849R, L1853R, L509R, L512R.
Identifiers: ClinVar variation 4823156 (VCV004823156.4).

ClinVar aggregate classification (germline): Uncertain significance (1 of 4 stars; one submission).

Submission:

CeGaT Center for Human Genetics Tuebingen
Classification: Uncertain significance. Last evaluated: 2026-01-01. Review status: criteria provided, single submitter. Criteria: CeGaT Center For Human Genetics Tuebingen Variant Classification Criteria Version 2. Collection method: clinical testing. Allele origin: germline. Affected: yes. Observed: 1 variant allele.
Comment: DMD: PM2